The following is an entry in ClinVar:

ClinVar aggregate classification (germline): Uncertain significance. Review status: criteria provided, multiple submitters, no conflicts (2 of 4 stars). 2 submissions from 2 submitters: Uncertain significance (2). Last evaluated 2022-11-09.

Conditions:
Dilated cardiomyopathy 1W (CMD1W). Identifiers: Orphanet 154, MedGen C1969639, MONDO:0012667, OMIM 611407.

Submissions (2):

GeneDx
Classification: Uncertain significance. Last evaluated: 2022-11-09. Review status: criteria provided, single submitter. Criteria: GeneDx Variant Classification Process June 2021. Collection method: clinical testing. Allele origin: germline. Affected: yes.
Comment: Not observed at significant frequency in large population cohorts (gnomAD); In silico analysis supports that this missense variant does not alter protein structure/function; Has not been previously published as pathogenic or benign to our knowledge

Labcorp Genetics (formerly Invitae), Labcorp
Classification: Uncertain significance for Dilated cardiomyopathy 1W. Last evaluated: 2021-08-24. Review status: criteria provided, single submitter. Criteria: Invitae Variant Classification Sherloc (09022015). Collection method: clinical testing. Allele origin: germline.

NM_014000.3(VCL):c.953G>T (p.Arg318Leu)

Gene: VCL (vinculin; plus strand). Cytogenetic location: 10q22.2.
Variant type: single nucleotide variant.
Coding change: c.953G>T on transcript NM_014000.3 (MANE Select); coding-DNA position 953, G replaced by T.
Protein change: p.Arg318Leu; replaces arginine 318 with leucine.
Molecular consequence: missense variant.
Genome position (GRCh38, 1-based): chr10:74,083,444, G>T. VCF-style: chr10-74083444-G-T. GRCh37 (hg19) VCF-style: chr10-75843202-G-T.
Other names: c.953G>T, p.Arg318Leu (NM_003373.4); short protein forms R318L.
Identifiers: ClinVar variation 946690 (VCV000946690.6), dbSNP rs1322859960, ClinGen allele CA377270461.
Genomic context (GRCh38, chr10:74,083,444, plus strand): 5'-CCATCAGACAGATCTTAGATGAAGCTGGAAAAGTTGGTGAACTCTGTGCAGGCAAAGAAC[G>T]CAGGGAGATTCTGGGAACTTGCAAAATGCTAGGGCAGATGACTGATCAAGTGGCTGACCT-3'
Protein context (NP_054706.1, residues 308-328): KVGELCAGKE[Arg318Leu]REILGTCKML